The following is an entry in ClinVar:

NM_032293.5(GARNL3):c.728T>C (p.Leu243Pro)

Genes: GARNL3 (GTPase activating Rap/RanGAP domain like 3; plus strand), LOC126860769 (MED14-independent group 3 enhancer GRCh37_chr9:130094714-130095913; plus strand). Cytogenetic location: 9q33.3.
Variant type: single nucleotide variant.
Coding change: c.728T>C on transcript NM_032293.5 (MANE Select); coding-DNA position 728, T replaced by C.
Protein change: p.Leu243Pro; replaces leucine 243 with proline.
Molecular consequence: missense variant. On other transcripts: non-coding transcript variant (1).
Genome position (GRCh38, 1-based): chr9:127,333,080, T>C. VCF-style: chr9-127333080-T-C. GRCh37 (hg19) VCF-style: chr9-130095359-T-C.
Other names: c.662T>C, p.Leu221Pro (NM_001286779.2); short protein forms L221P, L243P.
Identifiers: ClinVar variation 3342123 (VCV003342123.16).

ClinVar aggregate classification (germline): Uncertain significance (1 of 4 stars; one submission).

Submission:

CeGaT Center for Human Genetics Tuebingen
Classification: Uncertain significance. Last evaluated: 2024-08-01. Review status: criteria provided, single submitter. Criteria: CeGaT Center For Human Genetics Tuebingen Variant Classification Criteria Version 2. Collection method: clinical testing. Allele origin: germline. Affected: yes. Observed: 1 variant allele.
Comment: GARNL3: PM2